The following is an entry in ClinVar:

ClinVar aggregate classification (germline): Likely benign (1 of 4 stars; one submission).

gnomAD v4.1: 94 of 1,613,788 alleles (0.0058%); highest among the groups gnomAD compares: South Asian, 0.098%; no homozygotes.

Submission:

CeGaT Center for Human Genetics Tuebingen
Classification: Likely benign. Last evaluated: 2026-07-01. Review status: criteria provided, single submitter. Criteria: CeGaT Center For Human Genetics Tuebingen Variant Classification Criteria Version 2. Collection method: clinical testing. Allele origin: germline. Affected: yes. Observed: 1 variant allele.
Comment: CCNF: BP4

NM_001761.3(CCNF):c.171+3A>G

Gene: CCNF (cyclin F; plus strand). Cytogenetic location: 16p13.3.
Variant type: single nucleotide variant.
Coding change: c.171+3A>G on transcript NM_001761.3 (MANE Select); 3 bases into the intron after coding-DNA position 171, A replaced by G.
Molecular consequence: intron variant.
Genome position (GRCh38, 1-based): chr16:2,431,287, A>G. VCF-style: chr16-2431287-A-G. GRCh37 (hg19) VCF-style: chr16-2481288-A-G.
Other names: c.-647+3A>G (NM_001323538.2).
Identifiers: ClinVar variation 5039222 (VCV005039222.1).